The following is an entry in ClinVar:

ClinVar aggregate classification (germline): Uncertain significance (1 of 4 stars; one submission).

Submission:

Labcorp Genetics (formerly Invitae), Labcorp
Classification: Uncertain significance. Last evaluated: 2024-05-02. Review status: criteria provided, single submitter. Criteria: Invitae Variant Classification Sherloc (09022015). Collection method: clinical testing. Allele origin: germline.
Comment: This sequence change replaces histidine, which is basic and polar, with aspartic acid, which is acidic and polar, at codon 41 of the SLC25A32 protein (p.His41Asp). This variant is not present in population databases (gnomAD no frequency). This variant has not been reported in the literature in individuals affected with SLC25A32-related conditions. Advanced modeling of protein sequence and biophysical properties (such as structural, functional, and spatial information, amino acid conservation, physicochemical variation, residue mobility, and thermodynamic stability) performed at Invitae indicates that this missense variant is expected to disrupt SLC25A32 protein function with a positive predictive value of 80%. In summary, the available evidence is currently insufficient to determine the role of this variant in disease. Therefore, it has been classified as a Variant of Uncertain Significance.

NM_030780.5(SLC25A32):c.121C>G (p.His41Asp)

Gene: SLC25A32 (solute carrier family 25 member 32; minus strand). Cytogenetic location: 8q22.3.
Variant type: single nucleotide variant.
Coding change: c.121C>G on transcript NM_030780.5 (MANE Select); coding-DNA position 121, C replaced by G.
Protein change: p.His41Asp; replaces histidine 41 with aspartic acid.
Molecular consequence: missense variant. On other transcripts: non-coding transcript variant (2).
Genome position (GRCh38, 1-based): chr8:103,414,817, G>C on the plus strand (C>G on the coding strand, the complement: SLC25A32 is on the minus strand). VCF-style: chr8-103414817-G-C. GRCh37 (hg19) VCF-style: chr8-104427045-G-C.
Other names: short protein forms H41D.
Identifiers: ClinVar variation 3674566 (VCV003674566.2).